The following is an entry in ClinVar:

NM_030665.4(RAI1):c.811T>C (p.Ser271Pro)

Gene: RAI1 (retinoic acid induced 1; plus strand). Cytogenetic location: 17p11.2.
Variant type: single nucleotide variant.
Coding change: c.811T>C on transcript NM_030665.4 (MANE Select); coding-DNA position 811, T replaced by C.
Protein change: p.Ser271Pro; replaces serine 271 with proline.
Molecular consequence: missense variant.
Genome position (GRCh38, 1-based): chr17:17,793,759, T>C. VCF-style: chr17-17793759-T-C. GRCh37 (hg19) VCF-style: chr17-17697073-T-C.
Other names: short protein forms S271P.
Identifiers: ClinVar variation 3661574 (VCV003661574.2).
Genomic context (GRCh38, chr17:17,793,759, plus strand): 5'-CTGACTGCCAGCTCCAGCCTGGCCCCGGGGCAGCGGGTCCAGAATCTTCATGCCTACCAG[T>C]CGGGCCGCCTCAGCTATGACCAGCAGCAGCAGCAGCAGCAGCAGCAGCAGCAGCAGCAGC-3'
Protein context (NP_109590.3, residues 261-281): QRVQNLHAYQ[Ser271Pro]GRLSYDQQQQ

ClinVar aggregate classification (germline): Uncertain significance (1 of 4 stars; one submission).

Submission:

Labcorp Genetics (formerly Invitae), Labcorp
Classification: Uncertain significance. Last evaluated: 2024-08-06. Review status: criteria provided, single submitter. Criteria: Invitae Variant Classification Sherloc (09022015). Collection method: clinical testing. Allele origin: germline.
Comment: This sequence change replaces serine, which is neutral and polar, with proline, which is neutral and non-polar, at codon 271 of the RAI1 protein (p.Ser271Pro). This variant is not present in population databases (gnomAD no frequency). This variant has not been reported in the literature in individuals affected with RAI1-related conditions. Advanced modeling of protein sequence and biophysical properties (such as structural, functional, and spatial information, amino acid conservation, physicochemical variation, residue mobility, and thermodynamic stability) performed at Invitae indicates that this missense variant is not expected to disrupt RAI1 protein function with a negative predictive value of 80%. In summary, the available evidence is currently insufficient to determine the role of this variant in disease. Therefore, it has been classified as a Variant of Uncertain Significance.